The following is an entry in ClinVar:

ClinVar aggregate classification (germline): Benign/Likely benign. Review status: criteria provided, multiple submitters, no conflicts (2 of 4 stars). 6 submissions from 6 submitters: Benign (3); Likely benign (2). 1 of the submissions does not count toward it. Last evaluated 2026-02-01.

Conditions:
PLEC-related disorder. Also called: PLEC-related condition; PLEC-related disorders.
Autosomal recessive limb-girdle muscular dystrophy type 2Q (LGMDR17). Also called: MUSCULAR DYSTROPHY, LIMB-GIRDLE, AUTOSOMAL RECESSIVE 17. Identifiers: Orphanet 254361, MedGen C3150989, MONDO:0013390, OMIM 613723.
Epidermolysis bullosa simplex with nail dystrophy (EBS5D). Identifiers: MedGen C4225309, MONDO:0014661, OMIM 616487.
Epidermolysis bullosa simplex 5C, with pyloric atresia (EBS5C). Also called: PLEC1-Related Epidermolysis Bullosa with Pyloric Atresia; PLEC-Related Epidermolysis Bullosa with Pyloric Atresia; Epidermolysis bullosa simplex with pyloric atresia. Identifiers: Orphanet 158684, MedGen C2677349, MONDO:0012807, OMIM 612138.
Epidermolysis bullosa simplex, Ogna type (EBS5A). Also called: Pidermolysis bullosa simplex 5A, Ogna type; EPIDERMOLYSIS BULLOSA SIMPLEX 5A, OGNA TYPE. Identifiers: Orphanet 79401, MedGen C0432317, MONDO:0007555, OMIM 131950.
Epidermolysis bullosa simplex 5B, with muscular dystrophy (EBS5B). Also called: Epidermolysis bullosa simplex with muscular dystrophy; EPIDERMOLYSIS BULLOSA SIMPLEX AND LIMB-GIRDLE MUSCULAR DYSTROPHY. Identifiers: Orphanet 257, MedGen C2931072, MONDO:0009181, OMIM 226670.

Allele frequency attached by ClinVar (database versions not stated): gnomAD 0.00001 and 0.00027; TOPMed 0.00006; gnomAD exomes 0.00089; ExAC 0.00108; 1000 Genomes Project 30x 0.00234; 1000 Genomes Project 0.00260.
gnomAD v4.1: 679 of 1,611,190 alleles (0.042%); highest among the groups gnomAD compares: South Asian, 0.67%; 6 homozygotes.

Submissions (6):

Labcorp Genetics (formerly Invitae), Labcorp
Classification: Benign for Autosomal recessive limb-girdle muscular dystrophy type 2Q; Epidermolysis bullosa simplex, Ogna type; Epidermolysis bullosa simplex with nail dystrophy; Epidermolysis bullosa simplex 5C, with pyloric atresia; Epidermolysis bullosa simplex 5B, with muscular dystrophy. Last evaluated: 2026-02-01. Review status: criteria provided, single submitter. Criteria: Invitae Variant Classification Sherloc (09022015). Collection method: clinical testing. Allele origin: germline.

Mayo Clinic Laboratories, Mayo Clinic
Classification: Benign. Last evaluated: 2025-01-20. Review status: criteria provided, single submitter. Criteria: ACMG Guidelines, 2015. Collection method: clinical testing. Allele origin: germline. Observed: 1 variant allele.
Comment: BS1, BS2, BP4, BP7

Blueprint Genetics
Classification: Likely benign. Last evaluated: 2024-08-30. Review status: criteria provided, single submitter. Criteria: ACMG Guidelines, 2015. Collection method: clinical testing. Allele origin: germline.

GeneDx
Classification: Likely benign. Last evaluated: 2019-03-20. Review status: criteria provided, single submitter. Criteria: GeneDx Variant Classification Process June 2021. Collection method: clinical testing. Allele origin: germline. Affected: yes.

Athena Diagnostics
Classification: Benign. Last evaluated: 2016-09-23. Review status: criteria provided, single submitter. Criteria: Athena Diagnostics Criteria. Collection method: clinical testing. Allele origin: germline.

PreventionGenetics, part of Exact Sciences
Classification: Likely benign for PLEC-related condition. Last evaluated: 2024-07-24. Review status: no assertion criteria provided. Collection method: clinical testing. Allele origin: germline. Not counted in ClinVar's aggregate classification.
Comment: This variant is classified as likely benign based on ACMG/AMP sequence variant interpretation guidelines (Richards et al. 2015 PMID: 25741868, with internal and published modifications).

NM_201384.3(PLEC):c.10830C>T (p.Ala3610=)

Gene: PLEC (plectin; minus strand). Cytogenetic location: 8q24.3.
Variant type: single nucleotide variant.
Coding change: c.10830C>T on transcript NM_201384.3 (MANE Select); coding-DNA position 10830, C replaced by T.
Protein change: p.Ala3610=; no amino-acid change (alanine 3610 retained).
Molecular consequence: synonymous variant.
Genome position (GRCh38, 1-based): chr8:143,918,991, G>A on the plus strand (C>T on the coding strand, the complement: PLEC is on the minus strand). VCF-style: chr8-143918991-G-A. GRCh37 (hg19) VCF-style: chr8-144993159-G-A.
Other names: p.Ala3637=; c.10911C>T, p.Ala3637= (NM_000445.5); c.10788C>T, p.Ala3596= (NM_201378.4); c.10764C>T, p.Ala3588= (NM_201379.3); c.11241C>T, p.Ala3747= (NM_201380.4); c.10734C>T, p.Ala3578= (NM_201381.3); c.10830C>T, p.Ala3610= (NM_201382.4); c.10842C>T, p.Ala3614= (NM_201383.3).
Identifiers: ClinVar variation 448046 (VCV000448046.21), dbSNP rs80304210, ClinGen allele CA4924524.